The following is an entry in ClinVar:

ClinVar aggregate classification (germline): Uncertain significance (1 of 4 stars; one submission).

Conditions:
Hypertrophic cardiomyopathy. Also called: HYPERTROPHIC MYOCARDIOPATHY. Identifiers: Orphanet 217569, MedGen C0007194, MeSH D002312, MONDO:0005045, HP:0001639.

Submission:

Labcorp Genetics (formerly Invitae), Labcorp
Classification: Uncertain significance for Hypertrophic cardiomyopathy. Last evaluated: 2024-05-20. Review status: criteria provided, single submitter. Criteria: Invitae Variant Classification Sherloc (09022015). Collection method: clinical testing. Allele origin: germline.
Comment: This sequence change replaces arginine, which is basic and polar, with leucine, which is neutral and non-polar, at codon 583 of the MYOM1 protein (p.Arg583Leu). This variant is not present in population databases (gnomAD no frequency). This variant has not been reported in the literature in individuals affected with MYOM1-related conditions. Advanced modeling of protein sequence and biophysical properties (such as structural, functional, and spatial information, amino acid conservation, physicochemical variation, residue mobility, and thermodynamic stability) performed at Invitae indicates that this missense variant is expected to disrupt MYOM1 protein function with a positive predictive value of 80%. Algorithms developed to predict the effect of sequence changes on RNA splicing suggest that this variant may create or strengthen a splice site. In summary, the available evidence is currently insufficient to determine the role of this variant in disease. Therefore, it has been classified as a Variant of Uncertain Significance.

NM_003803.4(MYOM1):c.1748G>T (p.Arg583Leu)

Gene: MYOM1 (myomesin 1; minus strand). Cytogenetic location: 18p11.31.
Variant type: single nucleotide variant.
Coding change: c.1748G>T on transcript NM_003803.4 (MANE Select); coding-DNA position 1748, G replaced by T.
Protein change: p.Arg583Leu; replaces arginine 583 with leucine.
Molecular consequence: missense variant.
Genome position (GRCh38, 1-based): chr18:3,151,789, C>A on the plus strand (G>T on the coding strand, the complement: MYOM1 is on the minus strand). VCF-style: chr18-3151789-C-A. GRCh37 (hg19) VCF-style: chr18-3151787-C-A.
Other names: c.1748G>T, p.Arg583Leu (NM_019856.2); short protein forms R583L.
Identifiers: ClinVar variation 3653899 (VCV003653899.2).
Genomic context (GRCh38, chr18:3,151,789, plus strand): 5'-GCCACGGGCTCGGAAACTCGAGATGGGAAACCTATTCCCATTTTATTCACAGCTCGAACT[C>A]GGAAGATATAGGAACGACCTTCGATCAATCCAGTGACAGGAAAACGAGCAAACTTCACAG-3'
Protein context (NP_003794.3, residues 573-593): GLIEGRSYIF[Arg583Leu]VRAVNKMGIG